The following is an entry in ClinVar:

NM_022893.4(BCL11A):c.237A>C (p.Lys79Asn)

Gene: BCL11A (BCL11 transcription factor A; minus strand). Cytogenetic location: 2p16.1.
Variant type: single nucleotide variant.
Coding change: c.237A>C on transcript NM_022893.4 (MANE Select); coding-DNA position 237, A replaced by C.
Protein change: p.Lys79Asn; replaces lysine 79 with asparagine.
Molecular consequence: missense variant.
Genome position (GRCh38, 1-based): chr2:60,546,119, T>G on the plus strand (A>C on the coding strand, the complement: BCL11A is on the minus strand). VCF-style: chr2-60546119-T-G. GRCh37 (hg19) VCF-style: chr2-60773254-T-G.
Other names: c.237A>C, p.Lys79Asn (NM_001363864.1, NM_001365609.1, NM_018014.4 and 1 more transcripts); short protein forms K79N.
Identifiers: ClinVar variation 1310048 (VCV001310048.2), dbSNP rs2104750314, ClinGen allele CA347040800.

ClinVar aggregate classification (germline): Uncertain significance (1 of 4 stars; one submission).

Allele frequency attached by ClinVar (database versions not stated): gnomAD exomes below 0.00001.
gnomAD v4.1: 1 of 1,614,202 alleles (0.000062%); highest among the groups gnomAD compares: Non-Finnish European, 0.000085%; no homozygotes.

Submission:

GeneDx
Classification: Uncertain significance. Last evaluated: 2019-10-30. Review status: criteria provided, single submitter. Criteria: GeneDx Variant Classification Process June 2021. Collection method: clinical testing. Allele origin: germline. Affected: yes.
Comment: Not observed in large population cohorts (Lek et al., 2016); In silico analysis, which includes protein predictors and evolutionary conservation, supports a deleterious effect; Has not been previously published as pathogenic or benign to our knowledge